The following is an entry in ClinVar:

NM_003611.3(OFD1):c.2386G>T (p.Gly796Cys)

Gene: OFD1 (OFD1 centriole and centriolar satellite protein; plus strand). Cytogenetic location: Xp22.2.
Variant type: single nucleotide variant.
Coding change: c.2386G>T on transcript NM_003611.3 (MANE Select); coding-DNA position 2386, G replaced by T.
Protein change: p.Gly796Cys; replaces glycine 796 with cysteine.
Molecular consequence: missense variant.
Genome position (GRCh38, 1-based): chrX:13,761,210, G>T. VCF-style: chrX-13761210-G-T. GRCh37 (hg19) VCF-style: chrX-13779329-G-T.
Other names: c.2266G>T, p.Gly756Cys (NM_001330209.2); c.1966G>T, p.Gly656Cys (NM_001330210.2); short protein forms G756C, G796C, G656C.
Identifiers: ClinVar variation 2046681 (VCV002046681.4), dbSNP rs2518947554, ClinGen allele CA412345139.

ClinVar aggregate classification (germline): Uncertain significance (1 of 4 stars; one submission).

Conditions:
Joubert syndrome. Also called: CEREBELLOPARENCHYMAL DISORDER IV; JOUBERT-BOLTSHAUSER SYNDROME; Familial aplasia of the vermis. Identifiers: Orphanet 475, MedGen C5979921, MONDO:0018772.
Orofaciodigital syndrome I (OFD1). Also called: OFDS I; Papillon-Leage and Psaume Syndrome; Oral-Facial-Digital Syndrome Type I. Identifiers: Orphanet 2750, MedGen C1510460, MONDO:0010702, OMIM 311200.

Submission:

Labcorp Genetics (formerly Invitae), Labcorp
Classification: Uncertain significance for Orofaciodigital syndrome I; Joubert syndrome. Last evaluated: 2022-06-01. Review status: criteria provided, single submitter. Criteria: Invitae Variant Classification Sherloc (09022015). Collection method: clinical testing. Allele origin: germline.
Comment: This sequence change replaces glycine, which is neutral and non-polar, with cysteine, which is neutral and slightly polar, at codon 796 of the OFD1 protein (p.Gly796Cys). In summary, the available evidence is currently insufficient to determine the role of this variant in disease. Therefore, it has been classified as a Variant of Uncertain Significance. Algorithms developed to predict the effect of missense changes on protein structure and function output the following: SIFT: "Tolerated"; PolyPhen-2: "Benign"; Align-GVGD: "Class C0". The cysteine amino acid residue is found in multiple mammalian species, which suggests that this missense change does not adversely affect protein function. This variant has not been reported in the literature in individuals affected with OFD1-related conditions. This variant is not present in population databases (gnomAD no frequency).